The following is an entry in ClinVar:

ClinVar aggregate classification (germline): Pathogenic (1 of 4 stars; one submission).

Submission:

Quest Diagnostics Nichols Institute San Juan Capistrano
Classification: Pathogenic. Last evaluated: 2021-11-08. Review status: criteria provided, single submitter. Criteria: ACMG/ClinGen CNV Guidelines, 2019. Collection method: clinical testing. Allele origin: unknown.
Comment: This deletion involves multiple genes and is associated with the GATA4-related recurrent 8p23.1 deletion syndrome. This syndrome is characterized by developmental impairments, intellectual disability, microcephaly, congenital heart disease, diaphragmatic hernia, hypospadia, and behavioral abnormalities (Shimokawa, et al., Am J Med Genet A. 2005;136;49-51; PMID: 15937941; Ballarati et al., Eur J Med Genet. 2011 Jan-Feb;54(1):55-9. PMID: 20969981; Priest et al., PLoS Genet. 2016 Apr 8;12(4):e1005963. PMID: 27058611). Haploinsufficiency of GATA4 is associated with autosomal dominant atrial septal defect-2 (OMIM 607941). NEIL2 (OMIM 608933) is one of the candidate genes for cardiac defects and diaphragmatic hernia (Keitges EA, et al., Am J Med Genet A. 2013 Jul;161A(7):1755-8; PMID: 23696316).

GRCh37/hg19 8p23.1(chr8:8093066-12548732)x1

Genes: CTSB (cathepsin B), DEFB130A (defensin beta 130A), DEFB134 (defensin beta 134), BLK (BLK proto-oncogene, Src family tyrosine kinase), C8orf74 (chromosome 8 open reading frame 74) and 26 more. Cytogenetic location: 8p23.1.
Variant type: copy number loss.
Change: copy number 1 (one copy instead of two) of chr8:8,093,066-12,548,732 (4.46 Mb, GRCh37 coordinates, 1-based), cytogenetic band 8p23.1.
Identifiers: ClinVar variation 1807804 (VCV001807804.1).